The following is an entry in ClinVar:

ClinVar aggregate classification (germline): Uncertain significance (1 of 4 stars; one submission).

gnomAD v4.1: 3 of 1,614,244 alleles (0.00019%); highest among the groups gnomAD compares: Non-Finnish European, 0.00025%; no homozygotes.

Submission:

Dasa
Classification: Uncertain significance. Last evaluated: 2025-01-03. Review status: criteria provided, single submitter. Criteria: DASA Assertion Criteria. Collection method: clinical testing. Allele origin: germline.
Comment: NM_001378418.1(TCF20):c.4907A>G (p.His1636Arg) is a missense variant that results in the substitution of histidine with arginine. This variant is rare in population databases. Computational prediction algorithms are consistent with a benign effect. The currently available literature and clinical evidence are not sufficient to establish a definitive association between this variant and the reported condition. Therefore, this variant is classified as a variant of uncertain significance.

NM_001378418.1(TCF20):c.4907A>G (p.His1636Arg)

Gene: TCF20 (transcription factor 20; minus strand). Cytogenetic location: 22q13.2.
Variant type: single nucleotide variant.
Coding change: c.4907A>G on transcript NM_001378418.1 (MANE Select); coding-DNA position 4907, A replaced by G.
Protein change: p.His1636Arg; replaces histidine 1636 with arginine.
Molecular consequence: missense variant.
Genome position (GRCh38, 1-based): chr22:42,210,399, T>C on the plus strand (A>G on the coding strand, the complement: TCF20 is on the minus strand). VCF-style: chr22-42210399-T-C. GRCh37 (hg19) VCF-style: chr22-42606405-T-C.
Other names: c.4907A>G, p.His1636Arg (NM_005650.4, NM_181492.3); short protein forms H1636R.
Identifiers: ClinVar variation 4883831 (VCV004883831.2).